The following is an entry in ClinVar:

ClinVar aggregate classification (germline): Uncertain significance (1 of 4 stars; one submission).

Conditions:
CERT1-related disorder. Also called: CERT1-related condition.

Submission:

PreventionGenetics, part of Exact Sciences
Classification: Uncertain significance for CERT1-related condition. Last evaluated: 2026-08-31. Review status: criteria provided, single submitter. Criteria: ACMG Guidelines, 2015. Collection method: clinical testing. Allele origin: germline.
Comment: The CERT1 c.1151T>G variant is predicted to result in the amino acid substitution p.Leu384Arg. To our knowledge, this variant has not been reported in the literature or in a large population database (gnomAD), indicating this variant is rare. At this time, the clinical significance of this variant is uncertain due to the absence of conclusive functional and genetic evidence.

NM_001379029.1(CERT1):c.767T>G (p.Leu256Arg)

Gene: CERT1 (ceramide transporter 1; minus strand). Cytogenetic location: 5q13.3.
Variant type: single nucleotide variant.
Coding change: c.767T>G on transcript NM_001379029.1 (MANE Select); coding-DNA position 767, T replaced by G.
Protein change: p.Leu256Arg; replaces leucine 256 with arginine.
Molecular consequence: missense variant.
Genome position (GRCh38, 1-based): chr5:75,416,946, A>C on the plus strand (T>G on the coding strand, the complement: CERT1 is on the minus strand). VCF-style: chr5-75416946-A-C. GRCh37 (hg19) VCF-style: chr5-74712771-A-C.
Other names: c.1151T>G, p.Leu384Arg (NM_001130105.1); c.767T>G, p.Leu256Arg (NM_001379002.1, NM_001379003.1, NM_001379004.1 and 2 more transcripts); short protein forms L256R, L384R.
Identifiers: ClinVar variation 4992132 (VCV004992132.1).
Genomic context (GRCh38, chr5:75,416,946, plus strand): 5'-CTCTTCTGCCAGCTGTCCTCACGTTTAACCATTAGTTCAATACAATGAGAAAGTGTTGCA[A>C]GGATTCCAGCAGTAGTTGCTTTAAAAGTTATCGCTTCCCCTTTAAAGTCTATACCATTAA-3'
Protein context (NP_001365958.1, residues 246-266): ITFKATTAGI[Leu256Arg]ATLSHCIELM